The following is an entry in ClinVar:

ClinVar aggregate classification (germline): Uncertain significance (1 of 4 stars; one submission).

Conditions:
Cardiovascular phenotype. Identifiers: MedGen CN230736.

Submission:

Ambry Genetics
Classification: Uncertain significance for Cardiovascular phenotype. Last evaluated: 2026-05-24. Review status: criteria provided, single submitter. Criteria: Ambry Variant Classification Scheme 2023. Collection method: clinical testing. Allele origin: germline.
Comment: The p.P499S variant (also known as c.1495C>T), located in coding exon 12 of the ENG gene, results from a C to T substitution at nucleotide position 1495. The proline at codon 499 is replaced by serine, an amino acid with similar properties. This amino acid position is conserved. In addition, this alteration is predicted to be tolerated by in silico analysis. Based on the available evidence, the clinical significance of this variant remains unclear.

NM_001114753.3(ENG):c.1495C>T (p.Pro499Ser)

Genes: ENG (endoglin; minus strand), LOC102723566 (uncharacterized LOC102723566; plus strand). Cytogenetic location: 9q34.11.
Variant type: single nucleotide variant.
Coding change: c.1495C>T on transcript NM_001114753.3 (MANE Select); coding-DNA position 1495, C replaced by T.
Protein change: p.Pro499Ser; replaces proline 499 with serine.
Molecular consequence: missense variant. On other transcripts: non-coding transcript variant (1).
Genome position (GRCh38, 1-based): chr9:127,818,311, G>A on the plus strand (C>T on the coding strand, the complement: ENG is on the minus strand). VCF-style: chr9-127818311-G-A. GRCh37 (hg19) VCF-style: chr9-130580590-G-A.
Other names: c.1495C>T, p.Pro499Ser (NM_000118.4); c.949C>T, p.Pro317Ser (NM_001278138.2); short protein forms P317S, P499S.
Identifiers: ClinVar variation 4870474 (VCV004870474.1).
Genomic context (GRCh38, chr9:127,818,311, plus strand): 5'-GGCTCACACAGTTGCCCTTGGCCGCCCGGCCCTGGATGAGTTCCACGGTGCCTCCCTCAG[G>A]CCCCAAGTCCAGGTGGCAGCTGTCTAACTGGAGCAGGAACTCGGAGACGGATGGGGACAC-3'
Protein context (NP_001108225.1, residues 489-509): QLDSCHLDLG[Pro499Ser]EGGTVELIQG